The following is an entry in ClinVar:

ClinVar aggregate classification (germline): Uncertain significance (1 of 4 stars; one submission).

Conditions:
Pityriasis rubra pilaris (PRP). Also called: Pityriasis rubra pilaris--familial type. Identifiers: Orphanet 2897, MedGen C0032027, MONDO:0100017, OMIM 173200, MONDO:0008251.
Psoriasis 2. Identifiers: MedGen C1864497, MONDO:0011269, OMIM 602723.

Allele frequency attached by ClinVar (database versions not stated): TOPMed below 0.00001; gnomAD 0.00001; gnomAD exomes 0.00001.

Submission:

Labcorp Genetics (formerly Invitae), Labcorp
Classification: Uncertain significance for Pityriasis rubra pilaris; Psoriasis 2. Last evaluated: 2025-05-11. Review status: criteria provided, single submitter. Criteria: Invitae Variant Classification Sherloc (09022015). Collection method: clinical testing. Allele origin: germline.
Comment: This sequence change replaces aspartic acid, which is acidic and polar, with glutamic acid, which is acidic and polar, at codon 442 of the CARD14 protein (p.Asp442Glu). This variant is not present in population databases (gnomAD no frequency). This variant has not been reported in the literature in individuals affected with CARD14-related conditions. ClinVar contains an entry for this variant (Variation ID: 945956). Invitae Evidence Modeling of protein sequence and biophysical properties (such as structural, functional, and spatial information, amino acid conservation, physicochemical variation, residue mobility, and thermodynamic stability) indicates that this missense variant is not expected to disrupt CARD14 protein function with a negative predictive value of 95%. In summary, the available evidence is currently insufficient to determine the role of this variant in disease. Therefore, it has been classified as a Variant of Uncertain Significance.

NM_001366385.1(CARD14):c.1326C>G (p.Asp442Glu)

Gene: CARD14 (caspase recruitment domain family member 14; plus strand). Cytogenetic location: 17q25.3.
Variant type: single nucleotide variant.
Coding change: c.1326C>G on transcript NM_001366385.1 (MANE Select); coding-DNA position 1326, C replaced by G.
Protein change: p.Asp442Glu; replaces aspartic acid 442 with glutamic acid.
Molecular consequence: missense variant. On other transcripts: non-coding transcript variant (1).
Genome position (GRCh38, 1-based): chr17:80,192,589, C>G. VCF-style: chr17-80192589-C-G. GRCh37 (hg19) VCF-style: chr17-78166388-C-G.
Other names: c.1326C>G, p.Asp442Glu (NM_001257970.1, NM_024110.4); c.615C>G, p.Asp205Glu (NM_052819.3); short protein forms D205E, D442E.
Identifiers: ClinVar variation 945956 (VCV000945956.10), dbSNP rs1276220070, ClinGen allele CA401347662.
Genomic context (GRCh38, chr17:80,192,589, plus strand): 5'-GCCCTGTCCACGGGAGAAGCAGCGGCTGGTGCGGATGCATGCCATCTGCCCCAGAGACGA[C>G]AGCGACTGCAGCCTCGTCAGCTCCACAGAGGTACGGCCGCTCCTCCCGCCTCCCTCACTG-3'
Protein context (NP_001353314.1, residues 432-452): VRMHAICPRD[Asp442Glu]SDCSLVSSTE